The following is an entry in ClinVar:

NC_000005.9:g.(?_161495006)_(161569342_?)del

Gene: GABRG2 (gamma-aminobutyric acid type A receptor subunit gamma2; plus strand). Cytogenetic location: 5q34.
Variant type: Deletion.
Identifiers: ClinVar variation 1459966 (VCV001459966.6).

ClinVar aggregate classification (germline): Pathogenic (1 of 4 stars; one submission).

Conditions:
EPILEPSY, CHILDHOOD ABSENCE, SUSCEPTIBILITY TO, 2 (ECA2). Identifiers: Orphanet 64280, MedGen C1843244, OMIM 607681.
Febrile seizures, familial, 8 (FEB8). Also called: CONVULSIONS, FAMILIAL FEBRILE, 8. Identifiers: Orphanet 36387, MedGen C1969810, MONDO:0011891, OMIM 607681.

Submission:

Labcorp Genetics (formerly Invitae), Labcorp
Classification: Pathogenic for Febrile seizures, familial, 8; EPILEPSY, CHILDHOOD ABSENCE, SUSCEPTIBILITY TO, 2. Last evaluated: 2022-01-28. Review status: criteria provided, single submitter. Criteria: Invitae Variant Classification Sherloc (09022015). Collection method: clinical testing. Allele origin: germline.
Comment: For these reasons, this variant has been classified as Pathogenic. This variant has not been reported in the literature in individuals affected with GABRG2-related conditions. This variant is a gross deletion of the genomic region encompassing exon(s) 1-7 of the GABRG2 gene, which includes the initiator codon. This deletion extends beyond the assayed region for this gene and therefore may encompass additional genes. It is expected to result in an absent or disrupted protein product. Loss-of-function variants in GABRG2 are known to be pathogenic (PMID: 22539854, 22750526, 24407264).

Literature cited by the submitters: PubMed 22539854; PubMed 22750526; PubMed 24407264.